The following is an entry in ClinVar:

NM_007194.4(CHEK2):c.352G>C (p.Asp118His)

Gene: CHEK2 (checkpoint kinase 2; minus strand). Cytogenetic location: 22q12.1.
Variant type: single nucleotide variant.
Coding change: c.352G>C on transcript NM_007194.4 (MANE Select); coding-DNA position 352, G replaced by C.
Protein change: p.Asp118His; replaces aspartic acid 118 with histidine.
Molecular consequence: missense variant.
Genome position (GRCh38, 1-based): chr22:28,725,335, C>G on the plus strand (G>C on the coding strand, the complement: CHEK2 is on the minus strand). VCF-style: chr22-28725335-C-G. GRCh37 (hg19) VCF-style: chr22-29121323-C-G.
Other names: c.481G>C, p.Asp161His (NM_001005735.3); c.-426G>C (NM_001257387.3); c.352G>C, p.Asp118His (NM_001349956.3, NM_145862.3); short protein forms D118H, D161H.
Identifiers: ClinVar variation 3645725 (VCV003645725.2).

ClinVar aggregate classification (germline): Uncertain significance (1 of 4 stars; one submission).

Conditions:
Familial cancer of breast. Also called: hereditary breast carcinoma; BREAST CANCER, FAMILIAL; Hereditary breast cancer. Identifiers: Orphanet 227535, MedGen C0346153, MONDO:0016419, OMIM 114480. Disease mechanism: loss of function.

Submission:

Labcorp Genetics (formerly Invitae), Labcorp
Classification: Uncertain significance for Familial cancer of breast. Last evaluated: 2024-03-13. Review status: criteria provided, single submitter. Criteria: Invitae Variant Classification Sherloc (09022015). Collection method: clinical testing. Allele origin: germline.
Comment: This sequence change replaces aspartic acid, which is acidic and polar, with histidine, which is basic and polar, at codon 118 of the CHEK2 protein (p.Asp118His). This variant is not present in population databases (gnomAD no frequency). This variant has not been reported in the literature in individuals affected with CHEK2-related conditions. An algorithm developed to predict the effect of missense changes on protein structure and function (PolyPhen-2) suggests that this variant is likely to be disruptive. In summary, the available evidence is currently insufficient to determine the role of this variant in disease. Therefore, it has been classified as a Variant of Uncertain Significance.